The following is an entry in ClinVar:

ClinVar aggregate classification (germline): Uncertain significance. Review status: criteria provided, multiple submitters, no conflicts (2 of 4 stars). 2 submissions from 2 submitters: Uncertain significance (2). Last evaluated 2025-11-08.

Conditions:
Dilated cardiomyopathy 1JJ (CMD1JJ). Identifiers: Orphanet 154, MedGen C3808935, MONDO:0014095, OMIM 615235.
Cardiovascular phenotype. Identifiers: MedGen CN230736.

Allele frequency attached by ClinVar (database versions not stated): ExAC 0.00002; gnomAD 0.00002; gnomAD exomes 0.00002; TOPMed 0.00002.
gnomAD v4.1: 16 of 1,609,350 alleles (0.00099%); highest among the groups gnomAD compares: Non-Finnish European, 0.0014%; no homozygotes.

Submissions (2):

Ambry Genetics
Classification: Uncertain significance for Cardiovascular phenotype. Last evaluated: 2025-11-08. Review status: criteria provided, single submitter. Criteria: Ambry Variant Classification Scheme 2023. Collection method: clinical testing. Allele origin: germline.

Labcorp Genetics (formerly Invitae), Labcorp
Classification: Uncertain significance for Dilated cardiomyopathy 1JJ. Last evaluated: 2025-10-23. Review status: criteria provided, single submitter. Criteria: Invitae Variant Classification Sherloc (09022015). Collection method: clinical testing. Allele origin: germline.
Comment: This sequence change replaces aspartic acid, which is acidic and polar, with asparagine, which is neutral and polar, at codon 1139 of the LAMA4 protein (p.Asp1139Asn). This variant is present in population databases (rs782492885, gnomAD 0.004%). This variant has not been reported in the literature in individuals affected with LAMA4-related conditions. ClinVar contains an entry for this variant (Variation ID: 1460945). Invitae Evidence Modeling of protein sequence and biophysical properties (such as structural, functional, and spatial information, amino acid conservation, physicochemical variation, residue mobility, and thermodynamic stability) indicates that this missense variant is not expected to disrupt LAMA4 protein function with a negative predictive value of 80%. In summary, the available evidence is currently insufficient to determine the role of this variant in disease. Therefore, it has been classified as a Variant of Uncertain Significance.

NM_001105206.3(LAMA4):c.3436G>A (p.Asp1146Asn)

Gene: LAMA4 (laminin subunit alpha 4; minus strand). Cytogenetic location: 6q21.
Variant type: single nucleotide variant.
Coding change: c.3436G>A on transcript NM_001105206.3 (MANE Select); coding-DNA position 3436, G replaced by A.
Protein change: p.Asp1146Asn; replaces aspartic acid 1146 with asparagine.
Molecular consequence: missense variant.
Genome position (GRCh38, 1-based): chr6:112,134,588, C>T on the plus strand (G>A on the coding strand, the complement: LAMA4 is on the minus strand). VCF-style: chr6-112134588-C-T. GRCh37 (hg19) VCF-style: chr6-112455790-C-T.
Other names: c.3415G>A, p.Asp1139Asn (NM_001105207.3, NM_002290.5); short protein forms D1139N, D1146N.
Identifiers: ClinVar variation 1460945 (VCV001460945.10), dbSNP rs782492885, ClinGen allele CA3965206.